The following is an entry in ClinVar:

ClinVar aggregate classification (germline): Likely benign (1 of 4 stars; one submission).

Submission:

CeGaT Center for Human Genetics Tuebingen
Classification: Likely benign. Last evaluated: 2023-02-01. Review status: criteria provided, single submitter. Criteria: CeGaT Center For Human Genetics Tuebingen Variant Classification Criteria Version 2. Collection method: clinical testing. Allele origin: germline. Affected: yes. Observed: 2 variant alleles.
Comment: THEM5: BS2

NM_182578.4(THEM5):c.*89CCTGCCTGCCTCCTGCCTCC[1]

Genes: C2CD4D-AS1 (C2CD4D and THEM5 antisense RNA 1; plus strand), THEM5 (thioesterase superfamily member 5; minus strand). Cytogenetic location: 1q21.3.
Variant type: Microsatellite.
Coding change: c.*89CCTGCCTGCCTCCTGCCTCC[1] on transcript NM_182578.4 (MANE Select); one copy of the 20-base unit CCTGCCTGCCTCCTGCCTCC starting at c.*89; the reference has two copies in a row; one copy, 20 bases deleted.
Molecular consequence: 3 prime UTR variant.
Genome position (GRCh38, 1-based): chr1:151,847,243-151,847,262, GGAGGCAGGAGGCAGGCAGG deleted on the plus strand (CCTGCCTGCCTCCTGCCTCC on the coding strand, the reverse complement: THEM5 is on the minus strand); deleting any 20 consecutive bases within chr1:151,847,243-151,847,298 gives the same sequence; the position shown is the placement nearest the transcript's 3' end. VCF-style (leftmost placement, unchanged base first): chr1-151847242-AGGAGGCAGGAGGCAGGCAGG-A. GRCh37 (hg19) VCF-style: chr1-151819718-AGGAGGCAGGAGGCAGGCAGG-A.
Identifiers: ClinVar variation 2639182 (VCV002639182.24), ClinGen allele CA1096190.